The following is an entry in ClinVar:

NM_000051.4(ATM):c.6380C>T (p.Ser2127Leu)

Genes: ATM (ATM serine/threonine kinase; plus strand), C11orf65 (chromosome 11 open reading frame 65; minus strand). Cytogenetic location: 11q22.3.
Variant type: single nucleotide variant.
Coding change: c.6380C>T on transcript NM_000051.4 (MANE Select); coding-DNA position 6380, C replaced by T.
Protein change: p.Ser2127Leu; replaces serine 2127 with leucine.
Molecular consequence: missense variant. On other transcripts: intron variant (2).
Genome position (GRCh38, 1-based): chr11:108,319,986, C>T. VCF-style: chr11-108319986-C-T. GRCh37 (hg19) VCF-style: chr11-108190713-C-T.
Other names: c.6380C>T, p.Ser2127Leu (NM_001351834.2); c.641-10915G>A (NM_001330368.2); c.*39-10915G>A (NM_001351110.2); short protein forms S2127L.
Identifiers: ClinVar variation 1331797 (VCV001331797.5), dbSNP rs2136219729, ClinGen allele CA382553292.

ClinVar aggregate classification (germline): Uncertain significance. Review status: criteria provided, multiple submitters, no conflicts (2 of 4 stars). 3 submissions from 3 submitters: Uncertain significance (3). Last evaluated 2026-04-22.

Conditions:
Ataxia-telangiectasia syndrome (AT). Also called: Ataxia-telangiectasia; LOUIS-BAR SYNDROME; Ataxia-telangiectasia, complementation group D; AT, COMPLEMENTATION GROUP C; ATAXIA-TELANGIECTASIA, COMPLEMENTATION GROUP A; ATAXIA-TELANGIECTASIA, FRESNO VARIANT. Identifiers: Orphanet 100, MedGen C0004135, MONDO:0008840, OMIM 208900.
Hereditary cancer-predisposing syndrome. Also called: Tumor predisposition; Neoplastic Syndromes, Hereditary; Hereditary Cancer Syndrome; Hereditary neoplastic syndrome. Identifiers: Orphanet 140162, MedGen C0027672, MeSH D009386, MONDO:0015356.

Submissions (3):

Ambry Genetics
Classification: Uncertain significance for Hereditary cancer-predisposing syndrome. Last evaluated: 2026-04-22. Review status: criteria provided, single submitter. Criteria: Ambry Variant Classification Scheme 2023. Collection method: clinical testing. Allele origin: germline.
Comment: The p.S2127L variant (also known as c.6380C>T), located in coding exon 43 of the ATM gene, results from a C to T substitution at nucleotide position 6380. The serine at codon 2127 is replaced by leucine, an amino acid with dissimilar properties. In an assay testing ATM function, this variant showed a functionally normal result (Lee KS et al. Cell, 2025 Sep;188:5081-5099.e27). This amino acid position is highly conserved in available vertebrate species. In addition, the in silico prediction for this alteration is inconclusive. Based on the available evidence, the clinical significance of this variant remains unclear.

Labcorp Genetics (formerly Invitae), Labcorp
Classification: Uncertain significance for Ataxia-telangiectasia syndrome. Last evaluated: 2025-06-25. Review status: criteria provided, single submitter. Criteria: Invitae Variant Classification Sherloc (09022015). Collection method: clinical testing. Allele origin: germline.
Comment: This sequence change replaces serine, which is neutral and polar, with leucine, which is neutral and non-polar, at codon 2127 of the ATM protein (p.Ser2127Leu). This variant is not present in population databases (gnomAD no frequency). This variant has not been reported in the literature in individuals affected with ATM-related conditions. ClinVar contains an entry for this variant (Variation ID: 1331797). Invitae Evidence Modeling of protein sequence and biophysical properties (such as structural, functional, and spatial information, amino acid conservation, physicochemical variation, residue mobility, and thermodynamic stability) indicates that this missense variant is not expected to disrupt ATM protein function with a negative predictive value of 95%. In summary, the available evidence is currently insufficient to determine the role of this variant in disease. Therefore, it has been classified as a Variant of Uncertain Significance.

Color Diagnostics, LLC DBA Color Health
Classification: Uncertain significance for Hereditary cancer-predisposing syndrome. Last evaluated: 2024-03-06. Review status: criteria provided, single submitter. Criteria: ACMG Guidelines, 2015. Collection method: clinical testing. Allele origin: germline.
Comment: This missense variant replaces serine with leucine at codon 2127 of the ATM protein. Computational prediction suggests that this variant may not impact protein structure and function (internally defined REVEL score threshold <= 0.5, PMID: 27666373). To our knowledge, functional studies have not been reported for this variant. This variant has not been reported in individuals affected with hereditary cancer in the literature. This variant has not been identified in the general population by the Genome Aggregation Database (gnomAD). The available evidence is insufficient to determine the role of this variant in disease conclusively. Therefore, this variant is classified as a Variant of Uncertain Significance.

Literature cited by the submitters: PubMed 40580951 (cited by Ambry Genetics).